The following is an entry in ClinVar:

ClinVar aggregate classification (germline): Pathogenic/Likely pathogenic. Review status: criteria provided, multiple submitters, no conflicts (2 of 4 stars). 3 submissions from 3 submitters: Pathogenic (1); Likely pathogenic (2). Last evaluated 2025-09-04.

Conditions:
Autosomal recessive limb-girdle muscular dystrophy type 2L (LGMDR12). Also called: Limb-Girdle Muscular Dystrophy R12 Anoctamin-5-Related (LGMD-R12); Limb-girdle muscular dystrophy, type 2L; MUSCULAR DYSTROPHY, LIMB-GIRDLE, AUTOSOMAL RECESSIVE 12. Identifiers: Orphanet 206549, MedGen C1969785, MONDO:0012652, OMIM 611307.
Gnathodiaphyseal dysplasia (GDD). Also called: GNATHODIAPHYSEAL SCLEROSIS; OSTEOGENESIS IMPERFECTA WITH UNUSUAL SKELETAL LESIONS. Identifiers: Orphanet 53697, MedGen C1833736, MONDO:0008151, OMIM 166260.
Autosomal recessive limb-girdle muscular dystrophy. Identifiers: Orphanet 102015, MedGen C2931907, MONDO:0015152.

Allele frequency attached by ClinVar (database versions not stated): gnomAD exomes below 0.00001; gnomAD 0.00001.
gnomAD v4.1: 10 of 1,614,046 alleles (0.00062%); highest among the groups gnomAD compares: Non-Finnish European, 0.00085%; no homozygotes.

Submissions (3):

Women's Health and Genetics/Laboratory Corporation of America, LabCorp
Classification: Likely pathogenic for Autosomal recessive limb-girdle muscular dystrophy. Last evaluated: 2025-09-04. Review status: criteria provided, single submitter. Criteria: LabCorp Variant Classification Summary - May 2015. Collection method: clinical testing. Allele origin: germline.
Comment: Variant summary: ANO5 c.1963T>C (p.Trp655Arg) results in a non-conservative amino acid change in the encoded protein sequence. Algorithms developed to predict the effect of missense changes on protein structure and function all suggest that this variant is likely to be disruptive. The variant allele was found at a frequency of 4e-06 in 251452 control chromosomes. c.1963T>C has been observed in individual(s) affected with Limb-Girdle Muscular Dystrophy, Autosomal Recessive. These data indicate that the variant may be associated with disease. To our knowledge, no experimental evidence demonstrating an impact on protein function has been reported. The following publications have been ascertained in the context of this evaluation (PMID: 36913258, 30919934). ClinVar contains an entry for this variant (Variation ID: 468837). Based on the evidence outlined above, the variant was classified as likely pathogenic.

Labcorp Genetics (formerly Invitae), Labcorp
Classification: Pathogenic for Autosomal recessive limb-girdle muscular dystrophy type 2L; Gnathodiaphyseal dysplasia. Last evaluated: 2024-12-23. Review status: criteria provided, single submitter. Criteria: Invitae Variant Classification Sherloc (09022015). Collection method: clinical testing. Allele origin: germline.
Comment: This sequence change replaces tryptophan, which is neutral and slightly polar, with arginine, which is basic and polar, at codon 655 of the ANO5 protein (p.Trp655Arg). This variant is present in population databases (no rsID available, gnomAD 0.002%). This missense change has been observed in individual(s) with clinical features of limb girdle muscular dystrophy (PMID: 30919934; internal data). In at least one individual the data is consistent with being in trans (on the opposite chromosome) from a pathogenic variant. ClinVar contains an entry for this variant (Variation ID: 468837). Invitae Evidence Modeling of protein sequence and biophysical properties (such as structural, functional, and spatial information, amino acid conservation, physicochemical variation, residue mobility, and thermodynamic stability) indicates that this missense variant is expected to disrupt ANO5 protein function with a positive predictive value of 95%. This variant disrupts the p.Trp655 amino acid residue in ANO5. Other variant(s) that disrupt this residue have been determined to be pathogenic (PMID: 22499103, 27447704). This suggests that this residue is clinically significant, and that variants that disrupt this residue are likely to be disease-causing. For these reasons, this variant has been classified as Pathogenic.

Institute of Medical Genetics and Applied Genomics, University Hospital Tübingen
Classification: Likely pathogenic. Last evaluated: 2020-10-23. Review status: criteria provided, single submitter. Criteria: ACMG Guidelines, 2015. Collection method: clinical testing. Allele origin: germline. Inheritance: Autosomal unknown. Affected: yes.

Literature cited by the submitters: PubMed 30919934 (cited by Women's Health and Genetics/Laboratory Corporation of America, LabCorp and Labcorp Genetics (formerly Invitae), Labcorp); PubMed 36913258 (cited by Women's Health and Genetics/Laboratory Corporation of America, LabCorp); PubMed 22499103 (cited by Labcorp Genetics (formerly Invitae), Labcorp); PubMed 27447704 (cited by Labcorp Genetics (formerly Invitae), Labcorp).

NM_213599.3(ANO5):c.1963T>C (p.Trp655Arg)

Gene: ANO5 (anoctamin 5; plus strand). Cytogenetic location: 11p14.3.
Variant type: single nucleotide variant.
Coding change: c.1963T>C on transcript NM_213599.3 (MANE Select); coding-DNA position 1963, T replaced by C.
Protein change: p.Trp655Arg; replaces tryptophan 655 with arginine.
Molecular consequence: missense variant.
Genome position (GRCh38, 1-based): chr11:22,270,376, T>C. VCF-style: chr11-22270376-T-C. GRCh37 (hg19) VCF-style: chr11-22291922-T-C.
Other names: c.1960T>C, p.Trp654Arg (NM_001142649.2); short protein forms W655R, W654R.
Identifiers: ClinVar variation 468837 (VCV000468837.15), dbSNP rs912174567, ClinGen allele CA218774184.